The following is an entry in ClinVar:

ClinVar aggregate classification (germline): Uncertain significance (1 of 4 stars; one submission).

Conditions:
Spastic paraplegia. Identifiers: MedGen C0037772, HP:0001258.

Allele frequency attached by ClinVar (database versions not stated): gnomAD exomes below 0.00001.
gnomAD v4.1: 1 of 1,540,116 alleles (0.000065%); highest among the groups gnomAD compares: Non-Finnish European, 0.000087%; no homozygotes.

Submission:

Labcorp Genetics (formerly Invitae), Labcorp
Classification: Uncertain significance for Spastic paraplegia. Last evaluated: 2022-05-27. Review status: criteria provided, single submitter. Criteria: Invitae Variant Classification Sherloc (09022015). Collection method: clinical testing. Allele origin: germline.
Comment: This sequence change replaces lysine, which is basic and polar, with arginine, which is basic and polar, at codon 180 of the GJC2 protein (p.Lys180Arg). This variant is not present in population databases (gnomAD no frequency). This variant has not been reported in the literature in individuals affected with GJC2-related conditions. Algorithms developed to predict the effect of missense changes on protein structure and function output the following: SIFT: "Tolerated"; PolyPhen-2: "Probably Damaging"; Align-GVGD: "Class C0". The arginine amino acid residue is found in multiple mammalian species, which suggests that this missense change does not adversely affect protein function. In summary, the available evidence is currently insufficient to determine the role of this variant in disease. Therefore, it has been classified as a Variant of Uncertain Significance.

NM_020435.4(GJC2):c.539A>G (p.Lys180Arg)

Gene: GJC2 (gap junction protein gamma 2; plus strand). Cytogenetic location: 1q42.13.
Variant type: single nucleotide variant.
Coding change: c.539A>G on transcript NM_020435.4 (MANE Select); coding-DNA position 539, A replaced by G.
Protein change: p.Lys180Arg; replaces lysine 180 with arginine.
Molecular consequence: missense variant.
Genome position (GRCh38, 1-based): chr1:228,158,297, A>G. VCF-style: chr1-228158297-A-G. GRCh37 (hg19) VCF-style: chr1-228345998-A-G.
Other names: short protein forms K180R.
Identifiers: ClinVar variation 1521631 (VCV001521631.6), dbSNP rs2124966466, ClinGen allele CA345098431.